The following is an entry in ClinVar:

ClinVar aggregate classification (germline): Pathogenic (1 of 4 stars; one submission).

Conditions:
Goldberg-Shprintzen syndrome. Identifiers: Orphanet 66629, MedGen C1836123, MONDO:0012280, OMIM 609460.

Submission:

Laboratory of Medical Genetics, National & Kapodistrian University of Athens
Classification: Pathogenic for Goldberg-Shprintzen syndrome. Last evaluated: 2021-08-10. Review status: criteria provided, single submitter. Criteria: ACMG Guidelines, 2015. Collection method: clinical testing. Allele origin: maternal. Affected: yes.
Comment: PVS1, PM2, PP3

NM_015634.4(KIFBP):c.1176_1177del (p.Glu394fs)

Gene: KIFBP (kinesin family binding protein; plus strand). Cytogenetic location: 10q22.1.
Variant type: Deletion.
Coding change: c.1176_1177del on transcript NM_015634.4 (MANE Select); coding-DNA positions 1176 to 1177, 2 bases deleted (CA; older notation c.1176_1177delCA).
Protein change: p.Glu394fs; shifts the reading frame from glutamic acid 394.
Molecular consequence: frameshift variant.
Genome position (GRCh38, 1-based): chr10:69,015,726-69,015,727, CA deleted. VCF-style (leftmost placement, unchanged base first): chr10-69015725-CCA-C. GRCh37 (hg19) VCF-style: chr10-70775481-CCA-C.
Other names: short protein forms E394fs.
Identifiers: ClinVar variation 1299541 (VCV001299541.1), dbSNP rs2132119741, ClinGen allele CA2499220300.